The following is an entry in ClinVar:

ClinVar aggregate classification (germline): Uncertain significance (1 of 4 stars; one submission).

Allele frequency attached by ClinVar (database versions not stated): gnomAD 0.00001; ExAC 0.00002; TOPMed 0.00002.
gnomAD v4.1: 91 of 1,604,034 alleles (0.0057%); highest among the groups gnomAD compares: Non-Finnish European, 0.0075%; no homozygotes.

Submission:

Labcorp Genetics (formerly Invitae), Labcorp
Classification: Uncertain significance. Last evaluated: 2024-10-24. Review status: criteria provided, single submitter. Criteria: Invitae Variant Classification Sherloc (09022015). Collection method: clinical testing. Allele origin: germline.
Comment: This sequence change replaces asparagine, which is neutral and polar, with serine, which is neutral and polar, at codon 333 of the ACAN protein (p.Asn333Ser). This variant is present in population databases (rs776721559, gnomAD 0.006%). This variant has not been reported in the literature in individuals affected with ACAN-related conditions. ClinVar contains an entry for this variant (Variation ID: 2150315). Invitae Evidence Modeling of protein sequence and biophysical properties (such as structural, functional, and spatial information, amino acid conservation, physicochemical variation, residue mobility, and thermodynamic stability) indicates that this missense variant is not expected to disrupt ACAN protein function with a negative predictive value of 80%. In summary, the available evidence is currently insufficient to determine the role of this variant in disease. Therefore, it has been classified as a Variant of Uncertain Significance.

NM_001369268.1(ACAN):c.998A>G (p.Asn333Ser)

Gene: ACAN (aggrecan; plus strand). Cytogenetic location: 15q26.1.
Variant type: single nucleotide variant.
Coding change: c.998A>G on transcript NM_001369268.1 (MANE Select); coding-DNA position 998, A replaced by G.
Protein change: p.Asn333Ser; replaces asparagine 333 with serine.
Molecular consequence: missense variant.
Genome position (GRCh38, 1-based): chr15:88,843,595, A>G. VCF-style: chr15-88843595-A-G. GRCh37 (hg19) VCF-style: chr15-89386826-A-G.
Other names: c.998A>G, p.Asn333Ser (NM_001135.4, NM_001411096.1, NM_001411097.1 and 1 more transcripts); short protein forms N333S.
Identifiers: ClinVar variation 2150315 (VCV002150315.4), dbSNP rs776721559, ClinGen allele CA7719418.